The following is an entry in ClinVar:

ClinVar aggregate classification (germline): Uncertain significance (1 of 4 stars; one submission).

Conditions:
VPS13B-related disorder. Also called: VPS13B-related condition.

gnomAD v4.1: 4 of 1,612,636 alleles (0.00025%); highest among the groups gnomAD compares: African/African-American, 0.0013%; no homozygotes.

Submission:

PreventionGenetics, part of Exact Sciences
Classification: Uncertain significance for VPS13B-related condition. Last evaluated: 2026-01-30. Review status: criteria provided, single submitter. Criteria: ACMG Guidelines, 2015. Collection method: clinical testing. Allele origin: germline.
Comment: The VPS13B c.779A>G variant is predicted to result in the amino acid substitution p.Glu260Gly. To our knowledge, this variant has not been reported in the literature. This variant is reported in 0.011% of alleles in individuals of African descent in gnomAD. At this time, the clinical significance of this variant is uncertain due to the absence of conclusive functional and genetic evidence.

NM_152564.5(VPS13B):c.779A>G (p.Glu260Gly)

Gene: VPS13B (vacuolar protein sorting 13 homolog B; plus strand). Cytogenetic location: 8q22.2.
Variant type: single nucleotide variant.
Coding change: c.779A>G on transcript NM_152564.5 (MANE Select); coding-DNA position 779, A replaced by G.
Protein change: p.Glu260Gly; replaces glutamic acid 260 with glycine.
Molecular consequence: missense variant. On other transcripts: non-coding transcript variant (1).
Genome position (GRCh38, 1-based): chr8:99,115,716, A>G. VCF-style: chr8-99115716-A-G. GRCh37 (hg19) VCF-style: chr8-100127944-A-G.
Other names: c.779A>G, p.Glu260Gly (NM_015243.3, NM_017890.5, NM_181661.3); short protein forms E260G.
Identifiers: ClinVar variation 5002172 (VCV005002172.1).